The following is an entry in ClinVar:

ClinVar aggregate classification (germline): Uncertain significance (1 of 4 stars; one submission).

Allele frequency attached by ClinVar (database versions not stated): gnomAD exomes below 0.00001.
gnomAD v4.1: 1 of 1,608,390 alleles (0.000062%); highest among the groups gnomAD compares: South Asian, 0.0011%; no homozygotes.

Submission:

Labcorp Genetics (formerly Invitae), Labcorp
Classification: Uncertain significance. Last evaluated: 2023-11-03. Review status: criteria provided, single submitter. Criteria: Invitae Variant Classification Sherloc (09022015). Collection method: clinical testing. Allele origin: germline.
Comment: This sequence change replaces alanine, which is neutral and non-polar, with valine, which is neutral and non-polar, at codon 26 of the FSCN2 protein (p.Ala26Val). This variant is not present in population databases (gnomAD no frequency). This variant has not been reported in the literature in individuals affected with FSCN2-related conditions. An algorithm developed to predict the effect of missense changes on protein structure and function (PolyPhen-2) suggests that this variant is likely to be disruptive. In summary, the available evidence is currently insufficient to determine the role of this variant in disease. Therefore, it has been classified as a Variant of Uncertain Significance.

NM_012418.4(FSCN2):c.77C>T (p.Ala26Val)

Gene: FSCN2 (fascin actin-bundling protein 2, retinal; plus strand). Cytogenetic location: 17q25.3.
Variant type: single nucleotide variant.
Coding change: c.77C>T on transcript NM_012418.4 (MANE Select); coding-DNA position 77, C replaced by T.
Protein change: p.Ala26Val; replaces alanine 26 with valine.
Molecular consequence: missense variant.
Genome position (GRCh38, 1-based): chr17:81,528,608, C>T. VCF-style: chr17-81528608-C-T. GRCh37 (hg19) VCF-style: chr17-79495634-C-T.
Other names: c.77C>T, p.Ala26Val (NM_001077182.3); short protein forms A26V.
Identifiers: ClinVar variation 2693023 (VCV002693023.3), dbSNP rs2544423829, ClinGen allele CA401469555.
Genomic context (GRCh38, chr17:81,528,608, plus strand): 5'-TGCACCAGGTGCTGAAGATCCAGTTTGGCCTCGTCAACGACACTGACCGCTACCTGACAG[C>T]TGAGAGCTTCGGCTTCAAGGTCAATGCCTCGGCACCCAGCCTCAAGAGGAAGCAGACCTG-3'
Protein context (NP_036550.1, residues 16-36): LVNDTDRYLT[Ala26Val]ESFGFKVNAS